The following is an entry in ClinVar:

NM_001042492.3(NF1):c.6840del (p.Gly2281fs)

Gene: NF1 (neurofibromin 1; plus strand). Cytogenetic location: 17q11.2.
Variant type: Deletion.
Coding change: c.6840del on transcript NM_001042492.3 (MANE Select); coding-DNA position 6840, one base deleted (A; older notation c.6840delA).
Protein change: p.Gly2281fs; shifts the reading frame from glycine 2281.
Molecular consequence: frameshift variant.
Genome position (GRCh38, 1-based): chr17:31,338,724, A deleted; the last of 4 consecutive A bases (chr17:31,338,721-31,338,724); deleting any one gives the same sequence. VCF-style (leftmost placement, unchanged base first): chr17-31338720-TA-T. GRCh37 (hg19) VCF-style: chr17-29665738-TA-T.
Other names: c.6777delA, p.Gly2260Aspfs (NM_000267.4); short protein forms G2260fs, G2281fs.
Identifiers: ClinVar variation 959202 (VCV000959202.7), dbSNP rs2069743106, ClinGen allele CA1139665459.

ClinVar aggregate classification (germline): Pathogenic (1 of 4 stars; one submission).

Conditions:
Neurofibromatosis, type 1 (NF1). Also called: Peripheral type neurofibromatosis; VON RECKLINGHAUSEN DISEASE; NEUROFIBROMATOSIS, TYPE I, SOMATIC; Neurofibromatosis, type I. Identifiers: Orphanet 636, MedGen C0027831, MONDO:0018975, OMIM 162200. Disease mechanism: loss of function.

Submission:

Labcorp Genetics (formerly Invitae), Labcorp
Classification: Pathogenic for Neurofibromatosis, type 1. Last evaluated: 2025-01-06. Review status: criteria provided, single submitter. Criteria: Invitae Variant Classification Sherloc (09022015). Collection method: clinical testing. Allele origin: germline.
Comment: This sequence change creates a premature translational stop signal (p.Gly2260Aspfs*10) in the NF1 gene. It is expected to result in an absent or disrupted protein product. Loss-of-function variants in NF1 are known to be pathogenic (PMID: 10712197, 23913538). This variant is not present in population databases (gnomAD no frequency). This variant has not been reported in the literature in individuals affected with NF1-related conditions. ClinVar contains an entry for this variant (Variation ID: 959202). For these reasons, this variant has been classified as Pathogenic.

Literature cited by the submitters: PubMed 10712197; PubMed 23913538.